The following is an entry in ClinVar:

ClinVar aggregate classification (germline): Uncertain significance (1 of 4 stars; one submission).

Submission:

GeneDx
Classification: Uncertain significance. Last evaluated: 2022-06-10. Review status: criteria provided, single submitter. Criteria: GeneDx Variant Classification Process June 2021. Collection method: clinical testing. Allele origin: germline. Affected: yes.
Comment: Not observed at significant frequency in large population cohorts (gnomAD); In silico analysis supports that this missense variant has a deleterious effect on protein structure/function; Has not been previously published as pathogenic or benign to our knowledge

NM_001134407.3(GRIN2A):c.1034G>A (p.Gly345Asp)

Gene: GRIN2A (glutamate ionotropic receptor NMDA type subunit 2A; minus strand). Cytogenetic location: 16p13.2.
Variant type: single nucleotide variant.
Coding change: c.1034G>A on transcript NM_001134407.3 (MANE Select); coding-DNA position 1034, G replaced by A.
Protein change: p.Gly345Asp; replaces glycine 345 with aspartic acid.
Molecular consequence: missense variant.
Genome position (GRCh38, 1-based): chr16:9,891,074, C>T on the plus strand (G>A on the coding strand, the complement: GRIN2A is on the minus strand). VCF-style: chr16-9891074-C-T. GRCh37 (hg19) VCF-style: chr16-9984931-C-T.
Other names: c.1034G>A, p.Gly345Asp (NM_000833.5, NM_001134408.2); short protein forms G345D.
Identifiers: ClinVar variation 1810477 (VCV001810477.1), dbSNP rs2141482053, ClinGen allele CA394797564.